The following is an entry in ClinVar:

NM_017780.4(CHD7):c.5960dup (p.Val1988fs)

Gene: CHD7 (chromodomain helicase DNA binding protein 7; plus strand). Cytogenetic location: 8q12.2.
Variant type: Duplication.
Coding change: c.5960dup on transcript NM_017780.4 (MANE Select); coding-DNA position 5960, one base duplicated (C; older notation c.5960dupC).
Protein change: p.Val1988fs; shifts the reading frame from valine 1988.
Molecular consequence: frameshift variant. On other transcripts: intron variant (1).
Genome position (GRCh38, 1-based): chr8:60,852,563, C duplicated; the last of 3 consecutive C bases (chr8:60,852,561-60,852,563); duplicating any one gives the same sequence. VCF-style (leftmost placement, unchanged base first): chr8-60852560-A-AC. GRCh37 (hg19) VCF-style: chr8-61765119-A-AC.
Other names: c.1717-9666dup (NM_001316690.1); short protein forms V1988fs.
Identifiers: ClinVar variation 3778428 (VCV003778428.7).

ClinVar aggregate classification (germline): Pathogenic (1 of 4 stars; one submission).

Submission:

CeGaT Center for Human Genetics Tuebingen
Classification: Pathogenic. Last evaluated: 2025-03-01. Review status: criteria provided, single submitter. Criteria: CeGaT Center For Human Genetics Tuebingen Variant Classification Criteria Version 2. Collection method: clinical testing. Allele origin: germline. Affected: yes. Observed: 1 variant allele.
Comment: CHD7: PVS1, PS2, PM2